The following is an entry in ClinVar:

NM_004525.3(LRP2):c.9790A>G (p.Ile3264Val)

Gene: LRP2 (LDL receptor related protein 2; minus strand). Cytogenetic location: 2q31.1.
Variant type: single nucleotide variant.
Coding change: c.9790A>G on transcript NM_004525.3 (MANE Select); coding-DNA position 9790, A replaced by G.
Protein change: p.Ile3264Val; replaces isoleucine 3264 with valine.
Molecular consequence: missense variant.
Genome position (GRCh38, 1-based): chr2:169,185,558, T>C on the plus strand (A>G on the coding strand, the complement: LRP2 is on the minus strand). VCF-style: chr2-169185558-T-C. GRCh37 (hg19) VCF-style: chr2-170042068-T-C.
Other names: short protein forms I3264V.
Identifiers: ClinVar variation 1489998 (VCV001489998.5), dbSNP rs1234395446, ClinGen allele CA349153025.
Genomic context (GRCh38, chr2:169,185,558, plus strand): 5'-CTTACCTGGAAACCCAGTCTACAGCCAGACTTTCTGCAGCTGGTAGTCTGTGGTTTATGA[T>C]TGTCTCCTTGTTTGTCTTATTCAGAAACATTCTCTCAATGACTTGCCTCTGTGTATCAAT-3'
Protein context (NP_004516.2, residues 3254-3274): MFLNKTNKET[Ile3264Val]INHRLPAAES

ClinVar aggregate classification (germline): Uncertain significance (1 of 4 stars; one submission).

Allele frequency attached by ClinVar (database versions not stated): TOPMed below 0.00001; gnomAD 0.00001; gnomAD exomes 0.00001.
gnomAD v4.1: 10 of 1,613,866 alleles (0.00062%); highest among the groups gnomAD compares: Non-Finnish European, 0.00085%; no homozygotes.

Submission:

Labcorp Genetics (formerly Invitae), Labcorp
Classification: Uncertain significance. Last evaluated: 2022-02-05. Review status: criteria provided, single submitter. Criteria: Invitae Variant Classification Sherloc (09022015). Collection method: clinical testing. Allele origin: germline.
Comment: This sequence change replaces isoleucine, which is neutral and non-polar, with valine, which is neutral and non-polar, at codon 3264 of the LRP2 protein (p.Ile3264Val). This variant is not present in population databases (gnomAD no frequency). This variant has not been reported in the literature in individuals affected with LRP2-related conditions. Advanced modeling of protein sequence and biophysical properties (such as structural, functional, and spatial information, amino acid conservation, physicochemical variation, residue mobility, and thermodynamic stability) performed at Invitae indicates that this missense variant is not expected to disrupt LRP2 protein function. In summary, the available evidence is currently insufficient to determine the role of this variant in disease. Therefore, it has been classified as a Variant of Uncertain Significance.